The following is an entry in ClinVar:

NM_001035.3(RYR2):c.4053T>C (p.His1351=)

Genes: RYR2 (ryanodine receptor 2; plus strand), LOC126806067 (BRD4-independent group 4 enhancer GRCh37_chr1:237753258-237754457; plus strand). Cytogenetic location: 1q43.
Variant type: single nucleotide variant.
Coding change: c.4053T>C on transcript NM_001035.3 (MANE Select); coding-DNA position 4053, T replaced by C.
Protein change: p.His1351=; no amino-acid change (histidine 1351 retained).
Molecular consequence: synonymous variant.
Genome position (GRCh38, 1-based): chr1:237,590,885, T>C. VCF-style: chr1-237590885-T-C. GRCh37 (hg19) VCF-style: chr1-237754185-T-C.
Other names: c.4053T>C (NM_001035.2).
Identifiers: ClinVar variation 2723784 (VCV002723784.6), dbSNP rs748955164, ClinGen allele CA072492.

ClinVar aggregate classification (germline): Likely benign. Review status: criteria provided, multiple submitters, no conflicts (2 of 4 stars). 4 submissions from 4 submitters: Likely benign (4). Last evaluated 2026-03-27.

Conditions:
Cardiomyopathy (CMYO). Also called: Cardiomyopathies. Identifiers: Orphanet 167848, MedGen C0878544, MONDO:0004994, HP:0001638. Inheritance: Various modes of inheritance.
Catecholaminergic polymorphic ventricular tachycardia 1. Also called: VENTRICULAR TACHYCARDIA, CATECHOLAMINERGIC POLYMORPHIC, 1, WITH OR WITHOUT ATRIAL DYSFUNCTION AND/OR DILATED CARDIOMYOPATHY; RYR2-Related Catecholaminergic Polymorphic Ventricular Tachycardia; VENTRICULAR TACHYCARDIA, STRESS-INDUCED POLYMORPHIC 1. Identifiers: Orphanet 3286, MedGen C1631597, MONDO:0011484, OMIM 604772.

Allele frequency attached by ClinVar (database versions not stated): ExAC 0.00001; gnomAD exomes 0.00002.
gnomAD v4.1: 13 of 1,613,926 alleles (0.00081%); highest among the groups gnomAD compares: Non-Finnish European, 0.0011%; no homozygotes.

Submissions (4):

Molecular Diagnostic Laboratory for Inherited Cardiovascular Disease, Montreal Heart Institute
Classification: Likely benign. Last evaluated: 2026-03-27. Review status: criteria provided, single submitter. Criteria: ACMG Guidelines, 2015. Collection method: clinical testing. Allele origin: germline. Affected: no.
Comment: BP7

Blueprint Genetics
Classification: Likely benign. Last evaluated: 2024-10-01. Review status: criteria provided, single submitter. Criteria: ACMG Guidelines, 2015. Collection method: clinical testing. Allele origin: germline.

Labcorp Genetics (formerly Invitae), Labcorp
Classification: Likely benign for Catecholaminergic polymorphic ventricular tachycardia 1. Last evaluated: 2023-04-27. Review status: criteria provided, single submitter. Criteria: Invitae Variant Classification Sherloc (09022015). Collection method: clinical testing. Allele origin: germline.

Color Diagnostics, LLC DBA Color Health
Classification: Likely benign for Cardiomyopathy. Last evaluated: 2022-11-06. Review status: criteria provided, single submitter. Criteria: ACMG Guidelines, 2015. Collection method: clinical testing. Allele origin: germline.